The following is an entry in ClinVar:

ClinVar aggregate classification (germline): Uncertain significance (1 of 4 stars; one submission).

gnomAD v4.1: 7 of 1,560,546 alleles (0.00045%); highest among the groups gnomAD compares: Admixed American, 0.0019%; no homozygotes.

Submission:

GeneDx
Classification: Uncertain significance. Last evaluated: 2022-08-25. Review status: criteria provided, single submitter. Criteria: GeneDx Variant Classification Process June 2021. Collection method: clinical testing. Allele origin: germline. Affected: yes.
Comment: Not observed at significant frequency in large population cohorts (gnomAD); In silico analysis supports that this missense variant has a deleterious effect on protein structure/function; Has not been previously published as pathogenic or benign to our knowledge

NM_002430.3(MN1):c.3383G>A (p.Gly1128Asp)

Gene: MN1 (MN1 proto-oncogene, transcriptional regulator; minus strand). Cytogenetic location: 22q12.1.
Variant type: single nucleotide variant.
Coding change: c.3383G>A on transcript NM_002430.3 (MANE Select); coding-DNA position 3383, G replaced by A.
Protein change: p.Gly1128Asp; replaces glycine 1128 with aspartic acid.
Molecular consequence: missense variant.
Genome position (GRCh38, 1-based): chr22:27,797,161, C>T on the plus strand (G>A on the coding strand, the complement: MN1 is on the minus strand). VCF-style: chr22-27797161-C-T. GRCh37 (hg19) VCF-style: chr22-28193149-C-T.
Other names: short protein forms G1128D.
Identifiers: ClinVar variation 2430556 (VCV002430556.1), dbSNP rs935200470, ClinGen allele CA411042564.